The following is an entry in ClinVar:

NM_001277313.2(FMN1):c.2044-5A>C

Gene: FMN1 (formin 1; minus strand). Cytogenetic location: 15q13.3.
Variant type: single nucleotide variant.
Coding change: c.2044-5A>C on transcript NM_001277313.2 (MANE Select); 5 bases into the intron before coding-DNA position 2044, A replaced by C.
Molecular consequence: intron variant.
Genome position (GRCh38, 1-based): chr15:33,065,079, T>G on the plus strand (A>C on the coding strand, the complement: FMN1 is on the minus strand). VCF-style: chr15-33065079-T-G. GRCh37 (hg19) VCF-style: chr15-33357280-T-G.
Other names: c.1375-5A>C (NM_001103184.4).
Identifiers: ClinVar variation 728885 (VCV000728885.5), dbSNP rs370110054, ClinGen allele CA268543301.

ClinVar aggregate classification (germline): Likely benign. Review status: criteria provided, single submitter (1 of 4 stars). 2 submissions from 2 submitters: Likely benign (1). 1 of the submissions does not count toward it. Last evaluated 2017-11-24.

Conditions:
FMN1-related disorder. Also called: FMN1-related condition.

Allele frequency attached by ClinVar (database versions not stated): gnomAD exomes below 0.00001 and 0.00004; gnomAD 0.00003; TOPMed 0.00003; ESP Exome Variant Server 0.00008.
gnomAD v4.1: 63 of 1,596,214 alleles (0.0039%); highest among the groups gnomAD compares: Non-Finnish European, 0.0053%; no homozygotes.

Submissions (2):

Labcorp Genetics (formerly Invitae), Labcorp
Classification: Likely benign. Last evaluated: 2017-11-24. Review status: criteria provided, single submitter. Criteria: Invitae Variant Classification Sherloc (09022015). Collection method: clinical testing. Allele origin: germline.

PreventionGenetics, part of Exact Sciences
Classification: Likely benign for FMN1-related condition. Last evaluated: 2019-03-06. Review status: no assertion criteria provided. Collection method: clinical testing. Allele origin: germline. Not counted in ClinVar's aggregate classification.
Comment: This variant is classified as likely benign based on ACMG/AMP sequence variant interpretation guidelines (Richards et al. 2015 PMID: 25741868, with internal and published modifications).